The following is an entry in ClinVar:

NM_001378778.1(MPDZ):c.2364C>T (p.Pro788=)

Gene: MPDZ (multiple PDZ domain crumbs cell polarity complex component; minus strand). Cytogenetic location: 9p23.
Variant type: single nucleotide variant.
Coding change: c.2364C>T on transcript NM_001378778.1 (MANE Select); coding-DNA position 2364, C replaced by T.
Protein change: p.Pro788=; no amino-acid change (proline 788 retained).
Molecular consequence: synonymous variant.
Genome position (GRCh38, 1-based): chr9:13,188,784, G>A on the plus strand (C>T on the coding strand, the complement: MPDZ is on the minus strand). VCF-style: chr9-13188784-G-A. GRCh37 (hg19) VCF-style: chr9-13188783-G-A.
Other names: c.2364C>T, p.Pro788= (NM_001261406.2, NM_001261407.2, NM_001330637.2 and 14 more transcripts).
Identifiers: ClinVar variation 1303774 (VCV001303774.7), dbSNP rs769078887, ClinGen allele CA4987493.

ClinVar aggregate classification (germline): Uncertain significance. Review status: criteria provided, multiple submitters, no conflicts (2 of 4 stars). 2 submissions from 2 submitters: Uncertain significance (2). Last evaluated 2025-10-18.

gnomAD v4.1: 62 of 1,609,004 alleles (0.0039%); highest among the groups gnomAD compares: South Asian, 0.027%; no homozygotes.

Submissions (2):

Labcorp Genetics (formerly Invitae), Labcorp
Classification: Uncertain significance. Last evaluated: 2025-10-18. Review status: criteria provided, single submitter. Criteria: Invitae Variant Classification Sherloc (09022015). Collection method: clinical testing. Allele origin: germline.
Comment: This sequence change affects codon 788 of the MPDZ mRNA. It is a 'silent' change, meaning that it does not change the encoded amino acid sequence of the MPDZ protein. It affects a nucleotide within the consensus splice site. This variant is present in population databases (rs769078887, gnomAD 0.03%). This variant has not been reported in the literature in individuals affected with MPDZ-related conditions. ClinVar contains an entry for this variant (Variation ID: 1303774). Algorithms developed to predict the effect of sequence changes on RNA splicing suggest that this variant is not likely to affect RNA splicing. In summary, the available evidence is currently insufficient to determine the role of this variant in disease. Therefore, it has been classified as a Variant of Uncertain Significance.

GeneDx
Classification: Uncertain significance. Last evaluated: 2020-06-05. Review status: criteria provided, single submitter. Criteria: GeneDx Variant Classification Process June 2021. Collection method: clinical testing. Allele origin: germline. Affected: yes.
Comment: Has not been previously published as pathogenic or benign to our knowledge; In-silico analysis, which includes splice predictors and evolutionary conservation, is inconclusive as to whether the variant alters gene splicing. In the absence of RNA/functional studies, the actual effect of this sequence change is unknown.